The following is an entry in ClinVar:

ClinVar aggregate classification (germline): Benign/Likely benign. Review status: criteria provided, multiple submitters, no conflicts (2 of 4 stars). 4 submissions from 4 submitters: Benign (1); Likely benign (3). Last evaluated 2025-03-27.

Conditions:
Hereditary cancer-predisposing syndrome. Also called: Hereditary neoplastic syndrome; Tumor predisposition; Neoplastic Syndromes, Hereditary; Hereditary Cancer Syndrome. Identifiers: Orphanet 140162, MedGen C0027672, MeSH D009386, MONDO:0015356.
Peutz-Jeghers syndrome (PJS). Also called: Peutz-Jeghers polyposis; Periorificial lentiginosis syndrome; POLYPOSIS, HAMARTOMATOUS INTESTINAL; POLYPS-AND-SPOTS SYNDROME. Identifiers: Orphanet 2869, MedGen C0031269, MeSH D010580, MONDO:0008280, OMIM 175200.

Submissions (4):

Myriad Genetics, Inc.
Classification: Benign for Peutz-Jeghers syndrome. Last evaluated: 2025-03-27. Review status: criteria provided, single submitter. Criteria: Myriad Autosomal Dominant, Autosomal Recessive and X-Linked Classification Criteria (2023). Collection method: clinical testing. Allele origin: unknown.
Comment: This variant is considered benign. This variant is a silent/synonymous amino acid change and it is not expected to impact splicing.

Labcorp Genetics (formerly Invitae), Labcorp
Classification: Likely benign for Peutz-Jeghers syndrome. Last evaluated: 2024-04-17. Review status: criteria provided, single submitter. Criteria: Invitae Variant Classification Sherloc (09022015). Collection method: clinical testing. Allele origin: germline.

Ambry Genetics
Classification: Likely benign for Hereditary cancer-predisposing syndrome. Last evaluated: 2020-03-25. Review status: criteria provided, single submitter. Criteria: Ambry Variant Classification Scheme 2023. Collection method: clinical testing. Allele origin: germline.

GeneDx
Classification: Likely benign. Last evaluated: 2015-10-19. Review status: criteria provided, single submitter. Criteria: GeneDx Variant Classification (06012015). Collection method: clinical testing. Allele origin: germline. Affected: yes.
Comment: This variant is considered likely benign or benign based on one or more of the following criteria: it is a conservative change, it occurs at a poorly conserved position in the protein, it is predicted to be benign by multiple in silico algorithms, and/or has population frequency not consistent with disease.

NM_000455.5(STK11):c.690C>T (p.Thr230=)

Gene: STK11 (serine/threonine kinase 11; plus strand). Cytogenetic location: 19p13.3.
Variant type: single nucleotide variant.
Coding change: c.690C>T on transcript NM_000455.5 (MANE Select); coding-DNA position 690, C replaced by T.
Protein change: p.Thr230=; no amino-acid change (threonine 230 retained).
Molecular consequence: synonymous variant.
Genome position (GRCh38, 1-based): chr19:1,220,673, C>T. VCF-style: chr19-1220673-C-T. GRCh37 (hg19) VCF-style: chr19-1220672-C-T.
Identifiers: ClinVar variation 381144 (VCV000381144.6), dbSNP rs1057520971, ClinGen allele CA16608013.